The following is an entry in ClinVar:

NM_020312.4(COQ9):c.38C>G (p.Ala13Gly)

Genes: COQ9 (coenzyme Q9; plus strand), LOC112469007 (Sharpr-MPRA regulatory region 5957; plus strand). Cytogenetic location: 16q21.
Variant type: single nucleotide variant.
Coding change: c.38C>G on transcript NM_020312.4 (MANE Select); coding-DNA position 38, C replaced by G.
Protein change: p.Ala13Gly; replaces alanine 13 with glycine.
Molecular consequence: missense variant.
Genome position (GRCh38, 1-based): chr16:57,447,543, C>G. VCF-style: chr16-57447543-C-G. GRCh37 (hg19) VCF-style: chr16-57481455-C-G.
Other names: c.38C>G (NM_020312.3); short protein forms A13G.
Identifiers: ClinVar variation 1499705 (VCV001499705.7), dbSNP rs764426902, ClinGen allele CA396026405.
Genomic context (GRCh38, chr16:57,447,543, plus strand): 5'-TGGGCGACGTGCCCGCTTCCAAAATGGCGGCGGCGGCGGTATCTGGTGCGCTTGGCCGGG[C>G]GGGCTGGAGGCTCCTGCAGCTGCGATGCCTGCCCGGTGAGGGGGCTGCCAAGCCGGGGAG-3'
Protein context (NP_064708.1, residues 3-23): AAAVSGALGR[Ala13Gly]GWRLLQLRCL

ClinVar aggregate classification (germline): Uncertain significance. Review status: criteria provided, multiple submitters, no conflicts (2 of 4 stars). 2 submissions from 2 submitters: Uncertain significance (2). Last evaluated 2025-01-20.

Conditions:
Inborn genetic diseases. Identifiers: MedGen C0950123, MeSH D030342.

Allele frequency attached by ClinVar (database versions not stated): gnomAD 0.00009 and 0.00010.
gnomAD v4.1: 18 of 1,307,118 alleles (0.0014%); highest among the groups gnomAD compares: Admixed American, 0.055%; no homozygotes.

Submissions (2):

Ambry Genetics
Classification: Uncertain significance for Inborn genetic diseases. Last evaluated: 2025-01-20. Review status: criteria provided, single submitter. Criteria: Ambry Variant Classification Scheme 2023. Collection method: clinical testing. Allele origin: germline.

Labcorp Genetics (formerly Invitae), Labcorp
Classification: Uncertain significance. Last evaluated: 2025-01-15. Review status: criteria provided, single submitter. Criteria: Invitae Variant Classification Sherloc (09022015). Collection method: clinical testing. Allele origin: germline.
Comment: This sequence change replaces alanine, which is neutral and non-polar, with glycine, which is neutral and non-polar, at codon 13 of the COQ9 protein (p.Ala13Gly). This variant is not present in population databases (gnomAD no frequency). This variant has not been reported in the literature in individuals affected with COQ9-related conditions. ClinVar contains an entry for this variant (Variation ID: 1499705). Experimental studies and prediction algorithms are not available or were not evaluated, and the functional significance of this variant is currently unknown. In summary, the available evidence is currently insufficient to determine the role of this variant in disease. Therefore, it has been classified as a Variant of Uncertain Significance.